The following is an entry in ClinVar:

NM_001164508.2(NEB):c.18425C>A (p.Thr6142Lys)

Gene: NEB (nebulin; minus strand). Cytogenetic location: 2q23.3.
Variant type: single nucleotide variant.
Coding change: c.18425C>A on transcript NM_001164508.2 (MANE Select); coding-DNA position 18425, C replaced by A.
Protein change: p.Thr6142Lys; replaces threonine 6142 with lysine.
Molecular consequence: missense variant.
Genome position (GRCh38, 1-based): chr2:151,565,090, G>T on the plus strand (C>A on the coding strand, the complement: NEB is on the minus strand). VCF-style: chr2-151565090-G-T. GRCh37 (hg19) VCF-style: chr2-152421604-G-T.
Other names: c.18425C>A, p.Thr6142Lys (NM_001164507.2, NM_001271208.2); c.13322C>A, p.Thr4441Lys (NM_004543.5); short protein forms T4441K, T6142K.
Identifiers: ClinVar variation 1064404 (VCV001064404.13), dbSNP rs377179553, ClinGen allele CA348800668.

ClinVar aggregate classification (germline): Uncertain significance. Review status: criteria provided, single submitter (1 of 4 stars). 2 submissions from 2 submitters: Uncertain significance (1). 1 of the submissions does not count toward it. Last evaluated 2020-07-30.

Conditions:
Nemaline myopathy 2 (NEM2). Also called: Nemaline myopathy 2, autosomal recessive. Identifiers: MedGen C1850569, MONDO:0009725, OMIM 256030.

Submissions (2):

Labcorp Genetics (formerly Invitae), Labcorp
Classification: Uncertain significance for Nemaline myopathy 2. Last evaluated: 2020-07-30. Review status: criteria provided, single submitter. Criteria: Invitae Variant Classification Sherloc (09022015). Collection method: clinical testing. Allele origin: germline.
Comment: In summary, the available evidence is currently insufficient to determine the role of this variant in disease. Therefore, it has been classified as a Variant of Uncertain Significance. Algorithms developed to predict the effect of missense changes on protein structure and function are either unavailable or do not agree on the potential impact of this missense change (SIFT: "Deleterious"; PolyPhen-2: "Not Available"; Align-GVGD: "Class C0"). This variant has not been reported in the literature in individuals with NEB-related conditions. This variant is not present in population databases (ExAC no frequency). This sequence change replaces threonine with lysine at codon 6142 of the NEB protein (p.Thr6142Lys). The threonine residue is moderately conserved and there is a moderate physicochemical difference between threonine and lysine.

Natera, Inc.
Classification: Uncertain significance for Nemaline myopathy type 2. Last evaluated: 2020-07-31. Review status: no assertion criteria provided. Collection method: clinical testing. Allele origin: germline. Not counted in ClinVar's aggregate classification.